The following is an entry in ClinVar:

ClinVar aggregate classification (germline): Likely pathogenic (1 of 4 stars; one submission).

Conditions:
Atypical hemolytic-uremic syndrome. Identifiers: Orphanet 2134, MedGen C2931788, MONDO:0016244.

gnomAD v4.1: 4 of 1,614,020 alleles (0.00025%); highest among the groups gnomAD compares: Non-Finnish European, 0.00034%; no homozygotes.

Submission:

Genomenon, Inc
Classification: Likely pathogenic for Atypical hemolytic-uremic syndrome. Last evaluated: 2026-09-17. Review status: criteria provided, single submitter. Criteria: Genomenon Sequence Variant Interpretation Standards - Updated. Collection method: curation. Allele origin: germline. Affected: yes.
Comment: DGKE p.Asn131Lys (c.393C>G) is a missense variant that changes the amino acid at codon 131 from Asparagine to Lysine. This variant has been observed in at least one proband affected with atypical hemolytic-uremic syndrome (PMID:32386968). This variant is located in a mutational hotspot and/or important functional domain. It is absent or not present at a significant frequency in gnomAD. In silico models predict that this variant is possibly or probably damaging. In conclusion, we classify DGKE p.Asn131Lys (c.393C>G) as a likely pathogenic variant.

Literature cited by the submitters: PubMed 32386968.

NM_003647.3(DGKE):c.393C>G (p.Asn131Lys)

Gene: DGKE (diacylglycerol kinase epsilon; plus strand). Cytogenetic location: 17q22.
Variant type: single nucleotide variant.
Coding change: c.393C>G on transcript NM_003647.3 (MANE Select); coding-DNA position 393, C replaced by G.
Protein change: p.Asn131Lys; replaces asparagine 131 with lysine.
Molecular consequence: missense variant.
Genome position (GRCh38, 1-based): chr17:56,835,188, C>G. VCF-style: chr17-56835188-C-G. GRCh37 (hg19) VCF-style: chr17-54912549-C-G.
Other names: short protein forms N131K.
Identifiers: ClinVar variation 4280354 (VCV004280354.2).